The following is an entry in ClinVar:

ClinVar aggregate classification (germline): Likely benign (1 of 4 stars; one submission).

Conditions:
Floating-Harbor syndrome (FLHS). Also called: Short stature with delayed bone age, expressive language delay, a triangular face with a prominent nose and deep-set eyes; Pelletier-Leisti syndrome; SRCAP-Related Floating-Harbor Syndrome. Identifiers: Orphanet 2044, MedGen C0729582, MONDO:0007621, OMIM 136140.

Submission:

Centre for Medical Genetics,  Mumbai
Classification: Likely benign for Floating-Harbor syndrome. Last evaluated: 2026-04-14. Review status: criteria provided, single submitter. Criteria: ACMG Guidelines, 2015. Collection method: provider interpretation. Allele origin: germline. Inheritance: Autosomal dominant inheritance. Affected: no. Observed: 1 variant allele, 1 heterozygote.
Comment: The variant satisfies PM2 criteria - extremely low frequency in gnomAD population databases. However, the variant satisfies BS2 criteria - present in heterozygous state in an individual that clinically does not have Floating-Harbor syndrome.

Literature cited by the submitters: PubMed 22265015.

NM_006662.3(SRCAP):c.2197C>A (p.Gln733Lys)

Gene: SRCAP (Snf2 related CREBBP activator protein; plus strand). Cytogenetic location: 16p11.2.
Variant type: single nucleotide variant.
Coding change: c.2197C>A on transcript NM_006662.3 (MANE Select); coding-DNA position 2197, C replaced by A.
Protein change: p.Gln733Lys; replaces glutamine 733 with lysine.
Molecular consequence: missense variant.
Genome position (GRCh38, 1-based): chr16:30,713,274, C>A. VCF-style: chr16-30713274-C-A. GRCh37 (hg19) VCF-style: chr16-30724595-C-A.
Other names: short protein forms Q733K.
Identifiers: ClinVar variation 4851380 (VCV004851380.1).